The following is an entry in ClinVar:

NM_012434.5(SLC17A5):c.979-87A>G

Gene: SLC17A5 (solute carrier family 17 member 5; minus strand). Cytogenetic location: 6q13.
Variant type: single nucleotide variant.
Coding change: c.979-87A>G on transcript NM_012434.5 (MANE Select); 87 bases into the intron before coding-DNA position 979, A replaced by G.
Molecular consequence: intron variant.
Genome position (GRCh38, 1-based): chr6:73,615,534, T>C on the plus strand (A>G on the coding strand, the complement: SLC17A5 is on the minus strand). VCF-style: chr6-73615534-T-C. GRCh37 (hg19) VCF-style: chr6-74325257-T-C.
Identifiers: ClinVar variation 672109 (VCV000672109.4), dbSNP rs628038, ClinGen allele CA140958679.

ClinVar aggregate classification (germline): Benign. Review status: criteria provided, multiple submitters, no conflicts (2 of 4 stars). 3 submissions from 2 submitters: Benign (3). Last evaluated 2021-07-10.

Conditions:
Sialic acid storage disease, severe infantile type (ISSD). Also called: INFANTILE SIALIC ACID STORAGE DISORDER; Free sialic acid storage disease, infantile form; N-ACETYLNEURAMINIC ACID STORAGE DISEASE; NANA STORAGE DISEASE; SIALURIA, INFANTILE FORM; Infantile Sialic Acid Storage Disease. Identifiers: Orphanet 309324, Orphanet 834, MedGen C1096902, MONDO:0010027, OMIM 269920.
Salla disease (SD). Also called: Sialuria, Finnish type; N-acetylneuraminic acid (NANA) storage disease (NSD); Infantile sialic acid storage disorder (ISSD); Less Severe FSASD (Salla Disease). Identifiers: Orphanet 309334, Orphanet 834, MedGen C1096903, MONDO:0011449, OMIM 604369.

Allele frequency attached by ClinVar (database versions not stated): 1000 Genomes Project 0.37021; gnomAD exomes 0.37309; 1000 Genomes Project 30x 0.37961; gnomAD 0.42156 and 0.43140; TOPMed 0.42463.
gnomAD v4.1: 504,524 of 1,331,746 alleles (38%); highest among the groups gnomAD compares: African/African-American, 57%; 99,345 homozygotes.

Submissions (3):

Genome-Nilou Lab
Classification: Benign for Salla disease. Last evaluated: 2021-07-10. Review status: criteria provided, single submitter. Criteria: ACMG Guidelines, 2015. Collection method: clinical testing. Allele origin: germline. Affected: no.

Genome-Nilou Lab
Classification: Benign for Sialic acid storage disease, severe infantile type. Last evaluated: 2021-07-10. Review status: criteria provided, single submitter. Criteria: ACMG Guidelines, 2015. Collection method: clinical testing. Allele origin: germline. Affected: no.

GeneDx
Classification: Benign. Last evaluated: 2018-06-19. Review status: criteria provided, single submitter. Criteria: GeneDx Variant Classification (06012015). Collection method: clinical testing. Allele origin: germline. Affected: yes.
Comment: This variant is considered likely benign or benign based on one or more of the following criteria: it is a conservative change, it occurs at a poorly conserved position in the protein, it is predicted to be benign by multiple in silico algorithms, and/or has population frequency not consistent with disease.